The following is an entry in ClinVar:

ClinVar aggregate classification (germline): Pathogenic. Review status: criteria provided, multiple submitters, no conflicts (2 of 4 stars). 2 submissions from 2 submitters: Pathogenic (2). Last evaluated 2025-10-10.

Conditions:
Osteogenesis imperfecta (OI). Identifiers: Orphanet 666, MedGen C0029434, MeSH D010013, MONDO:0019019.
Osteogenesis imperfecta type 7 (OI7). Also called: OSTEOGENESIS IMPERFECTA, TYPE IIB; Osteogenesis imperfecta type 2B; OI type 2B; Osteogenesis imperfecta, perinatal lethal autosomal recessive; OI type IIB; OI type 7. Identifiers: MedGen C1853162, MONDO:0012536, OMIM 610682.

Allele frequency attached by ClinVar (database versions not stated): TOPMed below 0.00001.
gnomAD v4.1: 13 of 1,580,820 alleles (0.00082%); highest among the groups gnomAD compares: Non-Finnish European, 0.001%; no homozygotes.

Submissions (2):

Labcorp Genetics (formerly Invitae), Labcorp
Classification: Pathogenic for Osteogenesis imperfecta type 7. Last evaluated: 2025-10-10. Review status: criteria provided, single submitter. Criteria: Invitae Variant Classification Sherloc (09022015). Collection method: clinical testing. Allele origin: germline.
Comment: This sequence change creates a premature translational stop signal (p.Tyr66*) in the CRTAP gene. It is expected to result in an absent or disrupted protein product. Loss-of-function variants in CRTAP are known to be pathogenic (PMID: 17055431, 19862557, 24715559). The frequency data for this variant in the population databases is considered unreliable, as metrics indicate poor data quality at this position in the gnomAD database. This premature translational stop signal has been observed in individual(s) with CRTAP-related osteogenesis imperfecta (PMID: 19550437). In at least one individual the data is consistent with being in trans (on the opposite chromosome) from a pathogenic variant. It has also been observed to segregate with disease in related individuals. ClinVar contains an entry for this variant (Variation ID: 658698). For these reasons, this variant has been classified as Pathogenic.

Women's Health and Genetics/Laboratory Corporation of America, LabCorp
Classification: Pathogenic for Osteogenesis imperfecta. Last evaluated: 2023-02-27. Review status: criteria provided, single submitter. Criteria: LabCorp Variant Classification Summary - May 2015. Collection method: clinical testing. Allele origin: germline.
Comment: Variant summary: CRTAP c.198C>A (p.Tyr66X) results in a premature termination codon, predicted to cause a truncation of the encoded protein or absence of the protein due to nonsense mediated decay, which are commonly known mechanisms for disease. Truncations downstream of this position have been classified as pathogenic by our laboratory. The variant allele was found at a frequency of 1.6e-05 in 189254 control chromosomes (gnomAD). c.198C>A has been reported in the literature segregating within members of a family affected with Osteogenesis Imperfecta (Van Dijk_2009). One clinical diagnostic laboratory has submitted clinical-significance assessments for this variant to ClinVar after 2014 and classified the variant as pathogenic. Based on the evidence outlined above, the variant was classified as pathogenic.

Literature cited by the submitters: PubMed 17055431 (cited by Labcorp Genetics (formerly Invitae), Labcorp); PubMed 19862557 (cited by Labcorp Genetics (formerly Invitae), Labcorp); PubMed 24715559 (cited by Labcorp Genetics (formerly Invitae), Labcorp); PubMed 19550437 (cited by Labcorp Genetics (formerly Invitae), Labcorp and Women's Health and Genetics/Laboratory Corporation of America, LabCorp).

NM_006371.5(CRTAP):c.198C>A (p.Tyr66Ter)

Gene: CRTAP (cartilage associated protein; plus strand). Cytogenetic location: 3p22.3.
Variant type: single nucleotide variant.
Coding change: c.198C>A on transcript NM_006371.5 (MANE Select); coding-DNA position 198, C replaced by A.
Protein change: p.Tyr66Ter; replaces tyrosine 66 with a stop codon.
Molecular consequence: nonsense.
Genome position (GRCh38, 1-based): chr3:33,114,275, C>A. VCF-style: chr3-33114275-C-A. GRCh37 (hg19) VCF-style: chr3-33155767-C-A.
Other names: c.198C>A, p.Tyr66Ter (NM_001393363.1, NM_001393364.1, NM_001393365.1); short protein forms Y66*.
Identifiers: ClinVar variation 658698 (VCV000658698.7), dbSNP rs137853939, ClinGen allele CA72699473.